The following is an entry in ClinVar:

NM_001257096.2(PAX1):c.1129G>T (p.Gly377Cys)

Gene: PAX1 (paired box 1; plus strand). Cytogenetic location: 20p11.22.
Variant type: single nucleotide variant.
Coding change: c.1129G>T on transcript NM_001257096.2 (MANE Select); coding-DNA position 1129, G replaced by T.
Protein change: p.Gly377Cys; replaces glycine 377 with cysteine.
Molecular consequence: missense variant.
Genome position (GRCh38, 1-based): chr20:21,709,291, G>T. VCF-style: chr20-21709291-G-T. GRCh37 (hg19) VCF-style: chr20-21689929-G-T.
Other names: c.1129G>T, p.Gly377Cys (NM_006192.5); c.1129G>T (NM_006192.3); short protein forms G377C.
Identifiers: ClinVar variation 1372569 (VCV001372569.4), dbSNP rs143731938, ClinGen allele CA9786690.

ClinVar aggregate classification (germline): Uncertain significance. Review status: criteria provided, multiple submitters, no conflicts (2 of 4 stars). 2 submissions from 2 submitters: Uncertain significance (2). Last evaluated 2022-11-17.

Conditions:
Inborn genetic diseases. Identifiers: MedGen C0950123, MeSH D030342.

Allele frequency attached by ClinVar (database versions not stated): ESP Exome Variant Server 0.00008.
gnomAD v4.1: 20 of 1,604,378 alleles (0.0012%); highest among the groups gnomAD compares: Non-Finnish European, 0.0015%; no homozygotes.

Submissions (2):

Ambry Genetics
Classification: Uncertain significance for Inborn genetic diseases. Last evaluated: 2022-11-17. Review status: criteria provided, single submitter. Criteria: Ambry Variant Classification Scheme 2023. Collection method: clinical testing. Allele origin: germline.

Labcorp Genetics (formerly Invitae), Labcorp
Classification: Uncertain significance. Last evaluated: 2022-09-13. Review status: criteria provided, single submitter. Criteria: Invitae Variant Classification Sherloc (09022015). Collection method: clinical testing. Allele origin: germline.
Comment: This sequence change replaces glycine, which is neutral and non-polar, with cysteine, which is neutral and slightly polar, at codon 377 of the PAX1 protein (p.Gly377Cys). This variant is present in population databases (rs143731938, gnomAD 0.006%). This variant has not been reported in the literature in individuals affected with PAX1-related conditions. ClinVar contains an entry for this variant (Variation ID: 1372569). Algorithms developed to predict the effect of missense changes on protein structure and function are either unavailable or do not agree on the potential impact of this missense change (SIFT: "Deleterious"; PolyPhen-2: "Benign"; Align-GVGD: "Class C35"). In summary, the available evidence is currently insufficient to determine the role of this variant in disease. Therefore, it has been classified as a Variant of Uncertain Significance.